The following is an entry in ClinVar:

ClinVar aggregate classification (germline): Uncertain significance (1 of 4 stars; one submission).

Submission:

Labcorp Genetics (formerly Invitae), Labcorp
Classification: Uncertain significance. Last evaluated: 2024-10-22. Review status: criteria provided, single submitter. Criteria: Invitae Variant Classification Sherloc (09022015). Collection method: clinical testing. Allele origin: germline.
Comment: This sequence change replaces methionine, which is neutral and non-polar, with valine, which is neutral and non-polar, at codon 280 of the PPA2 protein (p.Met280Val). This variant is not present in population databases (gnomAD no frequency). This variant has not been reported in the literature in individuals affected with PPA2-related conditions. ClinVar contains an entry for this variant (Variation ID: 1492334). Invitae Evidence Modeling of protein sequence and biophysical properties (such as structural, functional, and spatial information, amino acid conservation, physicochemical variation, residue mobility, and thermodynamic stability) indicates that this missense variant is not expected to disrupt PPA2 protein function with a negative predictive value of 95%. In summary, the available evidence is currently insufficient to determine the role of this variant in disease. Therefore, it has been classified as a Variant of Uncertain Significance.

NM_176869.3(PPA2):c.838A>G (p.Met280Val)

Gene: PPA2 (inorganic pyrophosphatase 2; minus strand). Cytogenetic location: 4q24.
Variant type: single nucleotide variant.
Coding change: c.838A>G on transcript NM_176869.3 (MANE Select); coding-DNA position 838, A replaced by G.
Protein change: p.Met280Val; replaces methionine 280 with valine.
Molecular consequence: missense variant.
Genome position (GRCh38, 1-based): chr4:105,396,280, T>C on the plus strand (A>G on the coding strand, the complement: PPA2 is on the minus strand). VCF-style: chr4-105396280-T-C. GRCh37 (hg19) VCF-style: chr4-106317437-T-C.
Other names: c.751A>G, p.Met251Val (NM_006903.4); c.532A>G, p.Met178Val (NM_176866.2); c.340A>G, p.Met114Val (NM_176867.3); short protein forms M114V, M178V, M251V, M280V.
Identifiers: ClinVar variation 1492334 (VCV001492334.6), dbSNP rs2110390796, ClinGen allele CA357789107.